The following is an entry in ClinVar:

NM_001099403.2(PRDM8):c.378A>T (p.Leu126Phe)

Genes: PRDM8 (PR/SET domain 8; plus strand), LOC126807094 (CDK7 strongly-dependent group 2 enhancer GRCh37_chr4:81121978-81123177; plus strand). Cytogenetic location: 4q21.21.
Variant type: single nucleotide variant.
Coding change: c.378A>T on transcript NM_001099403.2 (MANE Select); coding-DNA position 378, A replaced by T.
Protein change: p.Leu126Phe; replaces leucine 126 with phenylalanine.
Molecular consequence: missense variant.
Genome position (GRCh38, 1-based): chr4:80,201,448, A>T. VCF-style: chr4-80201448-A-T. GRCh37 (hg19) VCF-style: chr4-81122602-A-T.
Other names: c.378A>T, p.Leu126Phe (NM_020226.4); short protein forms L126F.
Identifiers: ClinVar variation 839945 (VCV000839945.10), dbSNP rs747752546, ClinGen allele CA2982197.

ClinVar aggregate classification (germline): Uncertain significance (1 of 4 stars; one submission).

Conditions:
Early-onset Lafora body disease. Also called: Epilepsy, progressive myoclonic, 10. Identifiers: Orphanet 324290, MedGen C4225258, MONDO:0014717, OMIM 616640.

Allele frequency attached by ClinVar (database versions not stated): TOPMed below 0.00001; gnomAD exomes 0.00001 and 0.00004; ExAC 0.00002.

Submission:

Labcorp Genetics (formerly Invitae), Labcorp
Classification: Uncertain significance for Early-onset Lafora body disease. Last evaluated: 2019-05-31. Review status: criteria provided, single submitter. Criteria: Invitae Variant Classification Sherloc (09022015). Collection method: clinical testing. Allele origin: germline.
Comment: In summary, the available evidence is currently insufficient to determine the role of this variant in disease. Therefore, it has been classified as a Variant of Uncertain Significance. Algorithms developed to predict the effect of missense changes on protein structure and function are either unavailable or do not agree on the potential impact of this missense change (SIFT: "Tolerated"; PolyPhen-2: "Probably Damaging"; Align-GVGD: "Class C0"). This variant has not been reported in the literature in individuals with PRDM8-related conditions. This variant is present in population databases (rs747752546, ExAC 0.03%). This sequence change replaces leucine with phenylalanine at codon 126 of the PRDM8 protein (p.Leu126Phe). The leucine residue is highly conserved and there is a small physicochemical difference between leucine and phenylalanine.